The following is an entry in ClinVar:

NM_024656.4(COLGALT1):c.1334A>G (p.Lys445Arg)

Gene: COLGALT1 (collagen beta(1-O)galactosyltransferase 1; plus strand). Cytogenetic location: 19p13.11.
Variant type: single nucleotide variant.
Coding change: c.1334A>G on transcript NM_024656.4 (MANE Select); coding-DNA position 1334, A replaced by G.
Protein change: p.Lys445Arg; replaces lysine 445 with arginine.
Molecular consequence: missense variant.
Genome position (GRCh38, 1-based): chr19:17,579,549, A>G. VCF-style: chr19-17579549-A-G. GRCh37 (hg19) VCF-style: chr19-17690358-A-G.
Other names: short protein forms K445R.
Identifiers: ClinVar variation 2098953 (VCV002098953.4), dbSNP rs2512897260, ClinGen allele CA404713847.

ClinVar aggregate classification (germline): Uncertain significance (1 of 4 stars; one submission).

Allele frequency attached by ClinVar (database versions not stated): gnomAD exomes below 0.00001.
gnomAD v4.1: 1 of 1,613,488 alleles (0.000062%); highest among the groups gnomAD compares: Admixed American, 0.0017%; no homozygotes.

Submission:

Labcorp Genetics (formerly Invitae), Labcorp
Classification: Uncertain significance. Last evaluated: 2022-08-08. Review status: criteria provided, single submitter. Criteria: Invitae Variant Classification Sherloc (09022015). Collection method: clinical testing. Allele origin: germline.
Comment: In summary, the available evidence is currently insufficient to determine the role of this variant in disease. Therefore, it has been classified as a Variant of Uncertain Significance. Algorithms developed to predict the effect of missense changes on protein structure and function are either unavailable or do not agree on the potential impact of this missense change (SIFT: "Not Available"; PolyPhen-2: "Benign"; Align-GVGD: "Not Available"). This variant has not been reported in the literature in individuals affected with COLGALT1-related conditions. This variant is not present in population databases (gnomAD no frequency). This sequence change replaces lysine, which is basic and polar, with arginine, which is basic and polar, at codon 445 of the COLGALT1 protein (p.Lys445Arg).